The following is an entry in ClinVar:

Conditions:
Long QT syndrome 5 (LQT5). Identifiers: Orphanet 101016, Orphanet 768, MedGen C1867904, MONDO:0013372, OMIM 613695.

Submission:

Roden Lab, Vanderbilt University Medical Center
No classification provided (evidence only). Condition: Long QT syndrome 5. Review status: no classification provided. Collection method: in vitro. Allele origin: not applicable. Functional consequence: Effect on ion channel function.
ClinVar note: "not provided" was previously submitted as the classification for the variant. However, the classification appeared to be based only on an observation of functional data so it was converted to no classification on 2025-07-30.

NM_000219.6(KCNE1):c.321T>G (p.Tyr107Ter)

Gene: KCNE1 (potassium voltage-gated channel subfamily E regulatory subunit 1; minus strand). Cytogenetic location: 21q22.12.
Variant type: single nucleotide variant.
Coding change: c.321T>G on transcript NM_000219.6 (MANE Select); coding-DNA position 321, T replaced by G.
Protein change: p.Tyr107Ter; replaces tyrosine 107 with a stop codon.
Molecular consequence: nonsense.
Genome position (GRCh38, 1-based): chr21:34,449,314, A>C on the plus strand (T>G on the coding strand, the complement: KCNE1 is on the minus strand). VCF-style: chr21-34449314-A-C. GRCh37 (hg19) VCF-style: chr21-35821612-A-C.
Other names: c.321T>G, p.Tyr107Ter (NM_001127668.4, NM_001127669.4, NM_001127670.4 and 4 more transcripts); short protein forms Y107*.
Identifiers: ClinVar variation 3374633 (VCV003374633.2).